The following is an entry in ClinVar:

ClinVar aggregate classification (germline): Uncertain significance (1 of 4 stars; one submission).

gnomAD v4.1: 3 of 1,600,798 alleles (0.00019%); highest among the groups gnomAD compares: East Asian, 0.0022%; no homozygotes.

Submission:

Labcorp Genetics (formerly Invitae), Labcorp
Classification: Uncertain significance. Last evaluated: 2025-01-27. Review status: criteria provided, single submitter. Criteria: Invitae Variant Classification Sherloc (09022015). Collection method: clinical testing. Allele origin: germline.
Comment: This sequence change replaces proline, which is neutral and non-polar, with leucine, which is neutral and non-polar, at codon 177 of the SNRPB protein (p.Pro177Leu). This variant is present in population databases (rs759220904, gnomAD 0.001%). This variant has not been reported in the literature in individuals affected with SNRPB-related conditions. ClinVar contains an entry for this variant (Variation ID: 1382983). Experimental studies and prediction algorithms are not available or were not evaluated, and the functional significance of this variant is currently unknown. In summary, the available evidence is currently insufficient to determine the role of this variant in disease. Therefore, it has been classified as a Variant of Uncertain Significance.

NM_003091.4(SNRPB):c.530C>T (p.Pro177Leu)

Gene: SNRPB (small nuclear ribonucleoprotein polypeptides B and B1; minus strand). Cytogenetic location: 20p13.
Variant type: single nucleotide variant.
Coding change: c.530C>T on transcript NM_003091.4 (MANE Select); coding-DNA position 530, C replaced by T.
Protein change: p.Pro177Leu; replaces proline 177 with leucine.
Molecular consequence: missense variant.
Genome position (GRCh38, 1-based): chr20:2,463,118, G>A on the plus strand (C>T on the coding strand, the complement: SNRPB is on the minus strand). VCF-style: chr20-2463118-G-A. GRCh37 (hg19) VCF-style: chr20-2443764-G-A.
Other names: c.530C>T, p.Pro177Leu (NM_198216.2); short protein forms P177L.
Identifiers: ClinVar variation 1382983 (VCV001382983.8), dbSNP rs759220904, ClinGen allele CA9732421.